The following is an entry in ClinVar:

ClinVar aggregate classification (germline): Pathogenic/Likely pathogenic. Review status: criteria provided, multiple submitters, no conflicts (2 of 4 stars). 3 submissions from 3 submitters: Pathogenic (1); Likely pathogenic (2). Last evaluated 2024-06-05.

Conditions:
Hereditary spastic paraplegia 63. Also called: Spastic paraplegia 63, autosomal recessive. Identifiers: Orphanet 401805, MedGen C3810295, MONDO:0014305, OMIM 615686.
Pontocerebellar hypoplasia type 9. Identifiers: Orphanet 369920, MedGen C4014354, MONDO:0014351, OMIM 615809.
Pontoneocerebellar hypoplasia. Also called: Non-syndromic pontocerebellar hypoplasia; Pontocerebellar hypoplasia. Identifiers: Orphanet 98523, MedGen C1261175, MONDO:0020135.

Submissions (3):

Fulgent Genetics
Classification: Likely pathogenic for Hereditary spastic paraplegia 63; Pontocerebellar hypoplasia type 9. Last evaluated: 2024-06-05. Review status: criteria provided, single submitter. Criteria: ACMG Guidelines, 2015. Collection method: clinical testing. Allele origin: germline.

Labcorp Genetics (formerly Invitae), Labcorp
Classification: Pathogenic for Pontocerebellar hypoplasia type 9; Hereditary spastic paraplegia 63. Last evaluated: 2023-12-18. Review status: criteria provided, single submitter. Criteria: Invitae Variant Classification Sherloc (09022015). Collection method: clinical testing. Allele origin: germline.
Comment: This sequence change creates a premature translational stop signal (p.Leu270Cysfs*93) in the AMPD2 gene. It is expected to result in an absent or disrupted protein product. Loss-of-function variants in AMPD2 are known to be pathogenic (PMID: 23911318). This variant is present in population databases (rs775612117, gnomAD 0.0009%). This variant has not been reported in the literature in individuals affected with AMPD2-related conditions. ClinVar contains an entry for this variant (Variation ID: 1723362). For these reasons, this variant has been classified as Pathogenic.

Women's Health and Genetics/Laboratory Corporation of America, LabCorp
Classification: Likely pathogenic for Pontoneocerebellar hypoplasia. Last evaluated: 2022-10-21. Review status: criteria provided, single submitter. Criteria: LabCorp Variant Classification Summary - May 2015. Collection method: clinical testing. Allele origin: germline.
Comment: Variant summary: AMPD2 c.646delC (p.Leu216CysfsX93) results in a premature termination codon, predicted to cause a truncation of the encoded protein or absence of the protein due to nonsense mediated decay, which are commonly known mechanisms for disease. Truncations downstream of this position have been classified as pathogenic by our laboratory. The variant allele was found at a frequency of 4e-06 in 251148 control chromosomes. To our knowledge, no occurrence of c.646delC in individuals affected with Pontocerebellar Hypoplasia, Type 9 and no experimental evidence demonstrating its impact on protein function have been reported. No clinical diagnostic laboratories have submitted clinical-significance assessments for this variant to ClinVar after 2014. Based on the evidence outlined above, the variant was classified as likely pathogenic.

Literature cited by the submitters: PubMed 23911318 (cited by Labcorp Genetics (formerly Invitae), Labcorp).

NM_001368809.2(AMPD2):c.646del (p.Leu216fs)

Gene: AMPD2 (adenosine monophosphate deaminase 2; plus strand). Cytogenetic location: 1p13.3.
Variant type: Deletion.
Coding change: c.646del on transcript NM_001368809.2 (MANE Select); coding-DNA position 646, one base deleted (C; older notation c.646delC).
Protein change: p.Leu216fs; shifts the reading frame from leucine 216.
Molecular consequence: frameshift variant.
Genome position (GRCh38, 1-based): chr1:109,626,840, C deleted; the last of 2 consecutive C bases (chr1:109,626,839-109,626,840); deleting either gives the same sequence. VCF-style (leftmost placement, unchanged base first): chr1-109626838-AC-A. GRCh37 (hg19) VCF-style: chr1-110169460-AC-A.
Other names: c.646delC (NM_001368809.2); c.808delC, p.Leu270Cysfs (NM_001257360.2); c.454del, p.Leu152fs (NM_001257361.2); c.583del, p.Leu195fs (NM_001308170.1); c.646del, p.Leu216fs (NM_004037.9); c.565del, p.Leu189fs (NM_139156.4); short protein forms L152fs, L189fs, L195fs, L216fs.
Identifiers: ClinVar variation 1723362 (VCV001723362.5), dbSNP rs775612117, ClinGen allele CA992865.